The following is an entry in ClinVar:

NM_080916.3(DGUOK):c.672C>T (p.Gly224=)

Gene: DGUOK (deoxyguanosine kinase; plus strand). Cytogenetic location: 2p13.1.
Variant type: single nucleotide variant.
Coding change: c.672C>T on transcript NM_080916.3 (MANE Select); coding-DNA position 672, C replaced by T.
Protein change: p.Gly224=; no amino-acid change (glycine 224 retained).
Molecular consequence: synonymous variant. On other transcripts: non-coding transcript variant (1), intron variant (2).
Genome position (GRCh38, 1-based): chr2:73,957,205, C>T. VCF-style: chr2-73957205-C-T. GRCh37 (hg19) VCF-style: chr2-74184332-C-T.
Other names: c.672C>T (NM_080916.2); c.381C>T, p.Gly127= (NM_001318860.2, NM_001318861.2); c.363C>T, p.Gly121= (NM_001318862.2, NM_001318863.2); c.444-941C>T (NM_080918.3); c.426-941C>T (NM_001318859.2).
Identifiers: ClinVar variation 1660661 (VCV001660661.9), dbSNP rs776350723, ClinGen allele CA1718320.

ClinVar aggregate classification (germline): Likely benign. Review status: criteria provided, single submitter (1 of 4 stars). 2 submissions from 2 submitters: Likely benign (1). 1 of the submissions does not count toward it. Last evaluated 2025-12-31.

Conditions:
DGUOK-related disorder. Also called: DGUOK-related condition.

Allele frequency attached by ClinVar (database versions not stated): ExAC 0.00004; gnomAD exomes 0.00004 and 0.00006; gnomAD 0.00005 and 0.00006; TOPMed 0.00005.
gnomAD v4.1: 70 of 1,613,940 alleles (0.0043%); highest among the groups gnomAD compares: East Asian, 0.018%; no homozygotes.

Submissions (2):

Labcorp Genetics (formerly Invitae), Labcorp
Classification: Likely benign. Last evaluated: 2025-12-31. Review status: criteria provided, single submitter. Criteria: Invitae Variant Classification Sherloc (09022015). Collection method: clinical testing. Allele origin: germline.

PreventionGenetics, part of Exact Sciences
Classification: Likely benign for DGUOK-related condition. Last evaluated: 2024-04-22. Review status: no assertion criteria provided. Collection method: clinical testing. Allele origin: germline. Not counted in ClinVar's aggregate classification.
Comment: This variant is classified as likely benign based on ACMG/AMP sequence variant interpretation guidelines (Richards et al. 2015 PMID: 25741868, with internal and published modifications).